The following is an entry in ClinVar:

ClinVar aggregate classification (germline): Pathogenic (0 of 4 stars; one submission).

Conditions:
Wiskott-Aldrich syndrome (WAS). Also called: ALDRICH SYNDROME; IMMUNODEFICIENCY 2; WISKOTT-ALDRICH SYNDROME 1; Wiskott-aldrich syndrome, somatic. Identifiers: Orphanet 906, MedGen C0043194, MONDO:0010518, OMIM 301000.

Submission:

Study Center for Immunodeficiencies, Assistance Publique-hôpitaux de Paris
Classification: Pathogenic for Wiskott-Aldrich syndrome. Last evaluated: 2026-09-30. Review status: no assertion criteria provided. Collection method: clinical testing. Allele origin: germline. Inheritance: X-linked recessive inheritance. Affected: yes.
Comment: Variant absent from gnomAD v4.1.2, predicted as deleterious by promoterAI. Reduced RNA and protein WASP level in cells of the patients (PMID: 41333711).

Literature cited by the submitters: PubMed 41333711.

NM_001438879.1(WAS):c.-34-30C>T

Gene: WAS (WASP actin nucleation promoting factor; plus strand). Cytogenetic location: Xp11.23.
Variant type: single nucleotide variant.
Coding change: c.-34-30C>T on transcript NM_001438879.1; 30 bases into the intron before 34 bases upstream of the start codon, C replaced by T.
Molecular consequence: intron variant.
Genome position (GRCh38, 1-based): chrX:48,683,790, C>T. VCF-style: chrX-48683790-C-T. GRCh37 (hg19) VCF-style: chrX-48542179-C-T.
Other names: c.-64C>T.
Identifiers: ClinVar variation 5042740 (VCV005042740.1).